The following is an entry in ClinVar:

NM_000038.6(APC):c.7576C>T (p.His2526Tyr)

Gene: APC (APC regulator of Wnt signaling pathway; plus strand). Cytogenetic location: 5q22.2.
Variant type: single nucleotide variant.
Coding change: c.7576C>T on transcript NM_000038.6 (MANE Select); coding-DNA position 7576, C replaced by T.
Protein change: p.His2526Tyr; replaces histidine 2526 with tyrosine.
Molecular consequence: missense variant.
Genome position (GRCh38, 1-based): chr5:112,843,170, C>T. VCF-style: chr5-112843170-C-T. GRCh37 (hg19) VCF-style: chr5-112178867-C-T.
Other names: c.7576C>T, p.His2526Tyr (NM_001127510.3, NM_001354895.2); c.7522C>T, p.His2508Tyr (NM_001127511.3); c.7630C>T, p.His2544Tyr (NM_001354896.2); c.7606C>T, p.His2536Tyr (NM_001354897.2); c.7501C>T, p.His2501Tyr (NM_001354898.2); c.7492C>T, p.His2498Tyr (NM_001354899.2); c.7453C>T, p.His2485Tyr (NM_001354900.2); c.7399C>T, p.His2467Tyr (NM_001354901.2); and 5 more; short protein forms H2425Y, H2485Y, H2366Y, H2400Y, H2536Y, H2544Y, H2243Y, H2435Y.
Identifiers: ClinVar variation 935616 (VCV000935616.12), dbSNP rs1766514875, ClinGen allele CA16037795.

ClinVar aggregate classification (germline): Uncertain significance. Review status: criteria provided, multiple submitters, no conflicts (2 of 4 stars). 2 submissions from 2 submitters: Uncertain significance (2). Last evaluated 2025-10-13.

Conditions:
Hereditary cancer-predisposing syndrome. Also called: Tumor predisposition; Hereditary neoplastic syndrome; Hereditary Cancer Syndrome; Neoplastic Syndromes, Hereditary. Identifiers: Orphanet 140162, MedGen C0027672, MeSH D009386, MONDO:0015356.
Familial adenomatous polyposis 1 (FAP1). Also called: POLYPOSIS, ADENOMATOUS INTESTINAL; FAMILIAL ADENOMATOUS POLYPOSIS 1, ATTENUATED. Identifiers: MedGen C2713442, MONDO:0021056, OMIM 175100. Disease mechanism: loss of function.

Allele frequency attached by ClinVar (database versions not stated): gnomAD exomes below 0.00001.
gnomAD v4.1: 1 of 1,613,338 alleles (0.000062%); highest among the groups gnomAD compares: South Asian, 0.0011%; no homozygotes.

Submissions (2):

Labcorp Genetics (formerly Invitae), Labcorp
Classification: Uncertain significance for Familial adenomatous polyposis 1. Last evaluated: 2025-10-13. Review status: criteria provided, single submitter. Criteria: Invitae Variant Classification Sherloc (09022015). Collection method: clinical testing. Allele origin: germline.
Comment: This sequence change replaces histidine, which is basic and polar, with tyrosine, which is neutral and polar, at codon 2526 of the APC protein (p.His2526Tyr). This variant is not present in population databases (gnomAD no frequency). This variant has not been reported in the literature in individuals affected with APC-related conditions. ClinVar contains an entry for this variant (Variation ID: 935616). Invitae Evidence Modeling of protein sequence and biophysical properties (such as structural, functional, and spatial information, amino acid conservation, physicochemical variation, residue mobility, and thermodynamic stability) indicates that this missense variant is not expected to disrupt APC protein function with a negative predictive value of 95%. In summary, the available evidence is currently insufficient to determine the role of this variant in disease. Therefore, it has been classified as a Variant of Uncertain Significance.

Ambry Genetics
Classification: Uncertain significance for Hereditary cancer-predisposing syndrome. Last evaluated: 2024-12-14. Review status: criteria provided, single submitter. Criteria: Ambry Variant Classification Scheme 2023. Collection method: clinical testing. Allele origin: germline.
Comment: The p.H2526Y variant (also known as c.7576C>T), located in coding exon 15 of the APC gene, results from a C to T substitution at nucleotide position 7576. The histidine at codon 2526 is replaced by tyrosine, an amino acid with similar properties. This amino acid position is conserved. In addition, in silico predictors for this gene do not accurately predict pathogenicity. Based on the available evidence, the clinical significance of this variant remains unclear.